The following is an entry in ClinVar:

ClinVar aggregate classification (germline): Uncertain significance (1 of 4 stars; one submission).

Conditions:
Lessel-Kreienkamp syndrome. Identifiers: MedGen C5436892, MONDO:0030897, OMIM 619149.

Submission:

MVZ Medizinische Genetik Mainz
Classification: Uncertain significance for Lessel-Kreienkamp syndrome. Last evaluated: 2023-01-31. Review status: criteria provided, single submitter. Criteria: UK Practice Guidelines For Variant Classification V4 01 2020. Collection method: clinical testing. Allele origin: germline. Inheritance: Autosomal dominant inheritance. Affected: yes. Observed: 1 variant allele.
Comment: PS2_SUP,PM2_SUP,PP2

NM_012154.5(AGO2):c.2461G>A (p.Glu821Lys)

Gene: AGO2 (argonaute RISC catalytic component 2; minus strand). Cytogenetic location: 8q24.3.
Variant type: single nucleotide variant.
Coding change: c.2461G>A on transcript NM_012154.5 (MANE Select); coding-DNA position 2461, G replaced by A.
Protein change: p.Glu821Lys; replaces glutamic acid 821 with lysine.
Molecular consequence: missense variant.
Genome position (GRCh38, 1-based): chr8:140,532,426, C>T on the plus strand (G>A on the coding strand, the complement: AGO2 is on the minus strand). VCF-style: chr8-140532426-C-T. GRCh37 (hg19) VCF-style: chr8-141542525-C-T.
Other names: c.2359G>A, p.Glu787Lys (NM_001164623.3); short protein forms E787K, E821K.
Identifiers: ClinVar variation 3061866 (VCV003061866.1), dbSNP rs2540672045, ClinGen allele CA372330930.